The following is an entry in ClinVar:

NM_000089.4(COL1A2):c.1009G>A (p.Gly337Ser)

Gene: COL1A2 (collagen type I alpha 2 chain; plus strand). Cytogenetic location: 7q21.3.
Variant type: single nucleotide variant.
Coding change: c.1009G>A on transcript NM_000089.4 (MANE Select); coding-DNA position 1009, G replaced by A.
Protein change: p.Gly337Ser; replaces glycine 337 with serine.
Molecular consequence: missense variant.
Genome position (GRCh38, 1-based): chr7:94,409,795, G>A. VCF-style: chr7-94409795-G-A. GRCh37 (hg19) VCF-style: chr7-94039107-G-A.
Other names: c.1009G>A (LRG_2t1); short protein forms G337S.
Identifiers: ClinVar variation 425643 (VCV000425643.62), dbSNP rs67865220, ClinGen allele CA162920380.

ClinVar aggregate classification (germline): Pathogenic. Review status: criteria provided, multiple submitters, no conflicts (2 of 4 stars). 18 submissions from 18 submitters: Pathogenic (15). 3 of the submissions do not count toward it. Last evaluated 2025-12-02.

Conditions:
Ehlers-Danlos syndrome, classic type (cEDS). Identifiers: Orphanet 287, MedGen C4225429, MONDO:0007522.
Osteogenesis imperfecta with normal sclerae, dominant form (OI4). Also called: Osteogenesis imperfecta type 4; OSTEOGENESIS IMPERFECTA WITH NORMAL SCLERAE; Common Variable Osteogenesis Imperfecta with Normal Sclerae; Osteogenesis Imperfecta Type IV; OSTEOGENESIS IMPERFECTA, TYPE IV, WITH DENTINOGENESIS IMPERFECTA. Identifiers: Orphanet 216820, Orphanet 666, MedGen C0268363, MONDO:0008148, OMIM 166220.
Osteogenesis imperfecta type I (OI1). Also called: Osteogenesis imperfecta type 1; Lobstein's Disease; OI, TYPE I; OSTEOGENESIS IMPERFECTA TARDA; OSTEOGENESIS IMPERFECTA WITH BLUE SCLERAE; Lobstein disease. Identifiers: Orphanet 216796, Orphanet 666, MedGen C0023931, MONDO:0008146, OMIM 166200. Disease mechanism: loss of function.
Osteogenesis imperfecta type III (OI3). Also called: Osteogenesis imperfecta type 3; OI type 3; Osteogenesis imperfecta, progressively deforming with normal sclerae; OI type III; Progressively Deforming Osteogenesis Imperfecta. Identifiers: Orphanet 216812, Orphanet 666, MedGen C0268362, MONDO:0009804, OMIM 259420.
Ehlers-Danlos syndrome, classic type, 1 (EDSCL1). Also called: EDS I; Ehlers-Danlos Syndrome, Classic Type, COL5A1-Related; Ehlers-Danlos syndrome, type 1; EHLERS-DANLOS SYNDROME, GRAVIS TYPE; EHLERS-DANLOS SYNDROME, SEVERE CLASSIC TYPE. Identifiers: MedGen C0268335, MONDO:0019567, OMIM 130000.
COL1A2-related disorder. Also called: COL1A2-Related Disorders; COL1A2-related condition.
Ehlers-Danlos syndrome, arthrochalasia type, 2. Also called: EHLERS-DANLOS SYNDROME, TYPE VIIB, AUTOSOMAL DOMINANT. Identifiers: MedGen CN293783, MONDO:0040501, OMIM 617821.
Ehlers-Danlos syndrome (EDS). Identifiers: Orphanet 98249, MedGen C0013720, MONDO:0020066.
Osteogenesis imperfecta (OI). Identifiers: Orphanet 666, MedGen C0029434, MeSH D010013, MONDO:0019019.

Allele frequency attached by ClinVar (database versions not stated): gnomAD exomes below 0.00001.
gnomAD v4.1: 1 of 1,614,074 alleles (0.000062%); highest among the groups gnomAD compares: Non-Finnish European, 0.000085%; no homozygotes.

Submissions 1 to 8 of 18:

Labcorp Genetics (formerly Invitae), Labcorp
Classification: Pathogenic for Osteogenesis imperfecta type I; Ehlers-Danlos syndrome, classic type, 1. Last evaluated: 2025-12-02. Review status: criteria provided, single submitter. Criteria: Invitae Variant Classification Sherloc (09022015). Collection method: clinical testing. Allele origin: germline.
Comment: This sequence change replaces glycine, which is neutral and non-polar, with serine, which is neutral and polar, at codon 337 of the COL1A2 protein (p.Gly337Ser). This variant is not present in population databases (gnomAD no frequency). This missense change has been observed in individuals with autosomal dominant osteogenesis imperfecta types I, III, and IV (PMID: 8829649, 21667357, 22206639, 24501682, 25944380, 26138843, 27510842, 27519266, 27748872, 28498836, 28810924). ClinVar contains an entry for this variant (Variation ID: 425643). Invitae Evidence Modeling of protein sequence and biophysical properties (such as structural, functional, and spatial information, amino acid conservation, physicochemical variation, residue mobility, and thermodynamic stability) indicates that this missense variant is expected to disrupt COL1A2 protein function with a positive predictive value of 95%. This variant disrupts the triple helix domain of COL1A2. Glycine residues within the Gly-Xaa-Yaa repeats of the triple helix domain are required for the structure and stability of fibrillar collagens (PMID: 7695699, 8218237, 19344236). In COL1A2, variants affecting these glycine residues are significantly enriched in individuals with disease (PMID: 9016532, 17078022) compared to the general population (ExAC). For these reasons, this variant has been classified as Pathogenic.

Clinical Biomedical Laboratory, Shriners Hospital For Children - Canada
Classification: Pathogenic for Osteogenesis imperfecta with normal sclerae, dominant form. Last evaluated: 2025-07-16. Review status: criteria provided, single submitter. Criteria: ACMG Guidelines, 2015. Collection method: clinical testing. Allele origin: germline. Affected: yes.
Comment: This variant is predicted to substitute a glycine residue by a serine residue in the triple helical domain of the collagen type I alpha 2 chain. Glycine substitutions in the triple helical domain of collagen type I alpha 2 chain cause disruption in the formation of the triple helix in the collagen type I molecule and are a typical cause of osteogenesis imperfecta (PMID 27509835). This variant is absent from the Genome Aggregation Database (v2.1.1). Computational tools (Revel 0.99) suggest that the amino acid change is damaging to protein function. We have observed this variant in the Shriners Hospital for Children variant database in more than 10 individuals with a diagnosis of osteogenesis imperfecta.

Laboratory of Genetics, Children's Clinical University Hospital Latvia
Classification: Pathogenic. Last evaluated: 2025-02-16. Review status: criteria provided, single submitter. Criteria: ACMG Guidelines, 2015. Collection method: clinical testing. Allele origin: germline. Affected: yes.

PreventionGenetics, part of Exact Sciences
Classification: Pathogenic for COL1A2-related condition. Last evaluated: 2025-01-29. Review status: criteria provided, single submitter. Criteria: ACMG Guidelines, 2015. Collection method: clinical testing. Allele origin: germline.
Comment: The COL1A2 c.1009G>A variant is predicted to result in the amino acid substitution p.Gly337Ser. Using Legacy nomenclature, this variant is referred to as p.Gly247Ser. This variant has been reported in the heterozygous state in multiple individuals with osteogenesis imperfecta (see examples: Table 4, Zhuang et al. 1996. PubMed ID: 8829649; Additional File 1 et al. Swinnen et al. 2011. PubMed ID: 22206639; Table S1, Malmgren et al. 2017. PubMed ID: 27510842). This variant has not been reported in a population database (gnomAD), indicating it is rare. The p.Gly337 residue is located in the conserved Gly-Xaa-Yaa triple helical domain where substitutions of a glycine are usually pathogenic (Marini et al. 2007. PubMed ID: 17078022). In summary, we interpret this variant as pathogenic.

ARUP Laboratories, Molecular Genetics and Genomics, ARUP Laboratories
Classification: Pathogenic. Last evaluated: 2024-10-14. Review status: criteria provided, single submitter. Criteria: ARUP Molecular Germline Variant Investigation Process 2024. Collection method: clinical testing. Allele origin: germline.
Comment: The COL1A2 c.1009G>A; p.Gly337Ser variant (rs67865220), also known as p.Gly247Ser in traditional nomenclature, is reported in the literature in numerous individuals affected with osteogenesis imperfecta, types I, III or IV (Bardai 2016, Li 2019, Maioli 2019, Malmgren 2017, Swinnen 2011, Zhuang 1996, Zhytnik 2017). This variant is absent from the Genome Aggregation Database (v2.1.1), indicating it is not a common polymorphism. Computational analyses predict that this variant is deleterious (REVEL: 0.987). This variant disrupts the repeating Gly-X-Y sequence motif of the collagen triple helix and is predicted to impair collagen function (Ben Amor 2011). Additionally, other missense variants at this codon (p.Gly337Arg, p.Gly337Cys) have been reported in individuals with osteogenesis imperfecta and are considered pathogenic (Bardai 2016). Based on available information, the p.Gly337Ser variant is considered to be pathogenic. References: Bardai G et al. DNA sequence analysis in 598 individuals with a clinical diagnosis of osteogenesis imperfecta: diagnostic yield and mutation spectrum. Osteoporos Int. 2016 Dec;27(12):3607-3613. PMID: 27509835. Ben Amor I et al. Genotype-phenotype correlations in autosomal dominant osteogenesis imperfecta. J Osteoporos. 2011; 2011:540178. PMID: 21912751 Li L et al. Genotypic and phenotypic characterization of Chinese patients with osteogenesis imperfecta. Hum Mutat. 2019 May;40(5):588-600. PMID: 30715774. Maioli M et al. Genotype-phenotype correlation study in 364 osteogenesis imperfecta Italian patients. Eur J Hum Genet. 2019 Jul;27(7):1090-1100. PMID: 30886339. Malmgren B et al. Tooth agenesis in osteogenesis imperfecta related to mutations in the collagen type I genes. Oral Dis. 2017 Jan;23(1):42-49. PMID: 27510842. Swinnen FK et al. Osteogenesis Imperfecta: the audiological phenotype lacks correlation with the genotype. Orphanet J Rare Dis. 2011 Dec 29;6:88.: 22206639. Zhuang J et al. Direct sequencing of PCR products derived from cDNAs for the pro alpha 1 and pro alpha 2 chains of type I procollagen as a screening method to detect mutations in patients with osteogenesis imperfecta. Hum Mutat. 1996;7(2):89-99. PMID: 8829649. Zhytnik L et al. Mutational analysis of COL1A1 and COL1A2 genes among Estonian osteogenesis imperfecta patients. Hum Genomics. 2017 Aug 15;11(1):19. PMID: 28810924.

Women's Health and Genetics/Laboratory Corporation of America, LabCorp
Classification: Pathogenic for Ehlers-Danlos syndrome. Last evaluated: 2024-01-24. Review status: criteria provided, single submitter. Criteria: LabCorp Variant Classification Summary - May 2015. Collection method: clinical testing. Allele origin: germline.
Comment: Variant summary: COL1A2 c.1009G>A (p.Gly337Ser) results in a non-conservative amino acid change in the Gly-X-Y repeat region of the encoded protein sequence. Five of five in-silico tools predict a damaging effect of the variant on protein function. The variant was absent in 250384 control chromosomes (gnomAD). c.1009G>A has been reported in the literature in individuals affected with Osteogenesis imperfecta (examples: Lindahl_2015, Andersson_2016, Ho Duy_2016). At-least one of these cases was reported as a de novo occurrence (Lindahl_2015). These data indicate that the variant is likely to be associated with disease. The following publications have been ascertained in the context of this evaluation (PMID: 28498836, PMC4795106, 27519266). ClinVar contains an entry for this variant (Variation ID: 425643). Based on the evidence outlined above, the variant was classified as pathogenic.

Blueprint Genetics
Classification: Pathogenic for COL1A2-related disorders. Last evaluated: 2023-11-20. Review status: criteria provided, single submitter. Criteria: ACMG Guidelines, 2015. Collection method: clinical testing. Allele origin: germline. Affected: yes. Observed: 4 variant alleles.

Greenwood Genetic Center Diagnostic Laboratories, Greenwood Genetic Center
Classification: Pathogenic for COL1A2-related disorder. Last evaluated: 2023-11-01. Review status: criteria provided, single submitter. Criteria: ACMG Guidelines, 2015. Collection method: clinical testing. Allele origin: germline. Affected: yes.
Comment: PS4, PM1, PM2, PM5, PP3